The following is an entry in ClinVar:

ClinVar aggregate classification (germline): Uncertain significance (1 of 4 stars; one submission).

Submission:

Labcorp Genetics (formerly Invitae), Labcorp
Classification: Uncertain significance. Last evaluated: 2023-09-09. Review status: criteria provided, single submitter. Criteria: Invitae Variant Classification Sherloc (09022015). Collection method: clinical testing. Allele origin: germline.
Comment: In summary, the available evidence is currently insufficient to determine the role of this variant in disease. Therefore, it has been classified as a Variant of Uncertain Significance. An algorithm developed to predict the effect of missense changes on protein structure and function (PolyPhen-2) suggests that this variant is likely to be disruptive. This variant has not been reported in the literature in individuals affected with ANKRD26-related conditions. This variant is not present in population databases (gnomAD no frequency). This sequence change replaces leucine, which is neutral and non-polar, with valine, which is neutral and non-polar, at codon 1656 of the ANKRD26 protein (p.Leu1656Val).

NM_014915.3(ANKRD26):c.4966T>G (p.Leu1656Val)

Gene: ANKRD26 (ankyrin repeat domain 26; minus strand). Cytogenetic location: 10p12.1.
Variant type: single nucleotide variant.
Coding change: c.4966T>G on transcript NM_014915.3 (MANE Select); coding-DNA position 4966, T replaced by G.
Protein change: p.Leu1656Val; replaces leucine 1656 with valine.
Molecular consequence: missense variant.
Genome position (GRCh38, 1-based): chr10:27,006,950, A>C on the plus strand (T>G on the coding strand, the complement: ANKRD26 is on the minus strand). VCF-style: chr10-27006950-A-C. GRCh37 (hg19) VCF-style: chr10-27295879-A-C.
Other names: c.4963T>G, p.Leu1655Val (NM_001256053.2); short protein forms L1656V, L1655V.
Identifiers: ClinVar variation 2852370 (VCV002852370.3), dbSNP rs2538471914, ClinGen allele CA376352927.